The following is an entry in ClinVar:

NM_006431.3(CCT2):c.451G>A (p.Asp151Asn)

Gene: CCT2 (chaperonin containing TCP1 subunit 2; plus strand). Cytogenetic location: 12q15.
Variant type: single nucleotide variant.
Coding change: c.451G>A on transcript NM_006431.3 (MANE Select); coding-DNA position 451, G replaced by A.
Protein change: p.Asp151Asn; replaces aspartic acid 151 with asparagine.
Molecular consequence: missense variant.
Genome position (GRCh38, 1-based): chr12:69,589,489, G>A. VCF-style: chr12-69589489-G-A. GRCh37 (hg19) VCF-style: chr12-69983269-G-A.
Other names: c.310G>A, p.Asp104Asn (NM_001198842.2); short protein forms D104N, D151N.
Identifiers: ClinVar variation 2413802 (VCV002413802.6), dbSNP rs368079574, ClinGen allele CA6680593.

ClinVar aggregate classification (germline): Uncertain significance (1 of 4 stars; one submission).

Allele frequency attached by ClinVar (database versions not stated): ExAC 0.00003; TOPMed 0.00003; gnomAD 0.00004; ESP Exome Variant Server 0.00008; gnomAD exomes 0.00012.
gnomAD v4.1: 171 of 1,613,252 alleles (0.011%); highest among the groups gnomAD compares: Middle Eastern, 0.016%; no homozygotes.

Submission:

Labcorp Genetics (formerly Invitae), Labcorp
Classification: Uncertain significance. Last evaluated: 2025-11-07. Review status: criteria provided, single submitter. Criteria: Invitae Variant Classification Sherloc (09022015). Collection method: clinical testing. Allele origin: germline.
Comment: This sequence change replaces aspartic acid, which is acidic and polar, with asparagine, which is neutral and polar, at codon 151 of the CCT2 protein (p.Asp151Asn). This variant is present in population databases (rs368079574, gnomAD 0.007%). This variant has not been reported in the literature in individuals affected with CCT2-related conditions. ClinVar contains an entry for this variant (Variation ID: 2413802). An algorithm developed to predict the effect of missense changes on protein structure and function (PolyPhen-2) suggests that this variant is likely to be tolerated. In summary, the available evidence is currently insufficient to determine the role of this variant in disease. Therefore, it has been classified as a Variant of Uncertain Significance.